The following is an entry in ClinVar:

ClinVar aggregate classification (germline): Likely benign (1 of 4 stars; one submission).

Conditions:
ALPK3-related disorder. Also called: ALPK3-related condition.

Submission:

PreventionGenetics, part of Exact Sciences
Classification: Likely benign for ALPK3-related condition. Last evaluated: 2026-06-23. Review status: criteria provided, single submitter. Criteria: ACMG Guidelines, 2015. Collection method: clinical testing. Allele origin: germline.
Comment: This variant is classified as likely benign based on ACMG/AMP sequence variant interpretation guidelines (Richards et al. 2015 PMID: 25741868, with internal and published modifications).

NM_020778.5(ALPK3):c.3747A>G (p.Thr1249=)

Gene: ALPK3 (alpha kinase 3; plus strand). Cytogenetic location: 15q25.3.
Variant type: single nucleotide variant.
Coding change: c.3747A>G on transcript NM_020778.5 (MANE Select); coding-DNA position 3747, A replaced by G.
Protein change: p.Thr1249=; no amino-acid change (threonine 1249 retained).
Molecular consequence: synonymous variant.
Genome position (GRCh38, 1-based): chr15:84,858,485, A>G. VCF-style: chr15-84858485-A-G. GRCh37 (hg19) VCF-style: chr15-85401716-A-G.
Identifiers: ClinVar variation 4979893 (VCV004979893.1).